The following is an entry in ClinVar:

NM_003060.4(SLC22A5):c.453G>A (p.Val151=)

Gene: SLC22A5 (solute carrier family 22 member 5; plus strand). Cytogenetic location: 5q31.1.
Variant type: single nucleotide variant.
Coding change: c.453G>A on transcript NM_003060.4 (MANE Select); coding-DNA position 453, G replaced by A.
Protein change: p.Val151=; no amino-acid change (valine 151 retained).
Molecular consequence: synonymous variant.
Genome position (GRCh38, 1-based): chr5:132,378,437, G>A. VCF-style: chr5-132378437-G-A. GRCh37 (hg19) VCF-style: chr5-131714129-G-A.
Other names: c.525G>A, p.Val175= (NM_001308122.2).
Identifiers: ClinVar variation 25375 (VCV000025375.24), dbSNP rs386134194, ClinGen allele CA312933.

ClinVar aggregate classification (germline): Conflicting classifications of pathogenicity. Review status: criteria provided, conflicting classifications (1 of 4 stars). 8 submissions from 8 submitters: Pathogenic (3); Likely pathogenic (3); Uncertain significance (1). 1 of the submissions does not count toward it. Last evaluated 2026-02-09.

Conditions:
Carnitine deficiency. Identifiers: MedGen C1142132.
SLC22A5-related disorder. Also called: SLC22A5-related condition.
Renal carnitine transport defect (CDSP). Also called: Systemic primary carnitine deficiency disease; Carnitine transporter deficiency; Carnitine Deficiency, Systemic; CARNITINE DEFICIENCY, SYSTEMIC, DUE TO DEFECT IN RENAL REABSORPTION OF CARNITINE; CARNITINE TRANSPORTER, PLASMA-MEMBRANE, DEFICIENCY OF; CARNITINE UPTAKE DEFECT. Identifiers: Orphanet 158, MedGen C0342788, MONDO:0008919, OMIM 212140.

Allele frequency attached by ClinVar (database versions not stated): gnomAD 0.00004 and 0.00003; gnomAD exomes 0.00004 and 0.00003; TOPMed 0.00004; ExAC 0.00005.
gnomAD v4.1: 56 of 1,614,130 alleles (0.0035%); highest among the groups gnomAD compares: Admixed American, 0.005%; no homozygotes.

Submissions (8):

Women's Health and Genetics/Laboratory Corporation of America, LabCorp
Classification: Pathogenic for Renal carnitine transport defect. Last evaluated: 2026-02-09. Review status: criteria provided, single submitter. Criteria: LabCorp Variant Classification Summary - May 2015. Collection method: clinical testing. Allele origin: germline.
Comment: Variant summary: SLC22A5 c.453G>A alters a conserved nucleotide resulting in a synonymous change. Several computational tools predict a significant impact on normal splicing: Four predict the variant creates a cryptic 3' acceptor site. However, these predictions have yet to be confirmed by functional studies. The variant allele was found at a frequency of 4.4e-05 in 251496 control chromosomes. This frequency is not significantly higher than estimated for disease-causing variants in SLC22A5, allowing no conclusion about variant significance. c.453G>A has been observed in at-least three individuals affected with Systemic Primary Carnitine Deficiency (examples, Frigeni_2017, Adhikari_2020, Rose_2012, internal data). These data indicate that the variant is likely to be associated with disease. To our knowledge, no experimental evidence demonstrating an impact on protein function has been reported. The following publications have been ascertained in the context of this evaluation (PMID: 32778825, 28841266, 21922592). ClinVar contains an entry for this variant (Variation ID: 25375). Based on the evidence outlined above, the variant was classified as pathogenic.

Labcorp Genetics (formerly Invitae), Labcorp
Classification: Pathogenic for Renal carnitine transport defect. Last evaluated: 2026-01-07. Review status: criteria provided, single submitter. Criteria: Invitae Variant Classification Sherloc (09022015). Collection method: clinical testing. Allele origin: germline.
Comment: This sequence change affects codon 151 of the SLC22A5 mRNA. It is a 'silent' change, meaning that it does not change the encoded amino acid sequence of the SLC22A5 protein. This variant is present in population databases (rs386134194, gnomAD 0.009%). This variant has been observed in individual(s) with primary carnitine deficiency (PMID: 28841266; internal data). In at least one individual the data is consistent with being in trans (on the opposite chromosome) from a pathogenic variant. ClinVar contains an entry for this variant (Variation ID: 25375). Algorithms developed to predict the effect of sequence changes on RNA splicing suggest that this variant may disrupt the consensus splice site. For these reasons, this variant has been classified as Pathogenic.

Natera, Inc.
Classification: Likely pathogenic for Carnitine deficiency. Last evaluated: 2025-11-25. Review status: criteria provided, single submitter. Criteria: Natera Variant Classification Schema (03/2026). Collection method: clinical testing. Allele origin: germline.
Comment: The c.453G>A variant in SLC22A5 is a synonymous variant that does not alter the encoded amino acid at position 151 (p.V151=). This variant is rare in the general population with a frequency below the threshold expected for the associated phenotype(s). This variant has been observed in one or more individuals affected with the associated recessive disease, as either homozygous or compound heterozygous with a second variant (PMID: 28841266). Computational prediction algorithms indicate this variant is likely to affect gene or protein function. Given the available evidence, this variant is classified as Likely Pathogenic.

Blueprint Genetics
Classification: Likely pathogenic for SLC22A5-related disorders. Last evaluated: 2024-11-18. Review status: criteria provided, single submitter. Criteria: ACMG Guidelines, 2015. Collection method: clinical testing. Allele origin: germline. Affected: yes. Observed: 5 variant alleles.

Fulgent Genetics
Classification: Likely pathogenic for Renal carnitine transport defect. Last evaluated: 2024-04-16. Review status: criteria provided, single submitter. Criteria: ACMG Guidelines, 2015. Collection method: clinical testing. Allele origin: germline.

Mendelics
Classification: Pathogenic for Renal carnitine transport defect. Last evaluated: 2023-03-24. Review status: criteria provided, single submitter. Criteria: Mendelics Assertion Criteria 2017. Collection method: clinical testing. Allele origin: unknown.

Genome-Nilou Lab
Classification: Uncertain significance for Renal carnitine transport defect. Last evaluated: 2021-07-15. Review status: criteria provided, single submitter. Criteria: ACMG Guidelines, 2015. Collection method: clinical testing. Allele origin: germline. Affected: no.

Clinical Genomics Laboratory, Stanford Medicine
Classification: Uncertain significance for Renal carnitine transport defect. Last evaluated: 2019-01-10. Review status: no assertion criteria provided. Collection method: clinical testing. Allele origin: germline. Inheritance: Autosomal recessive inheritance. Affected: yes. Not counted in ClinVar's aggregate classification.
Comment: The p.Val151= variant in the SLC22A5 gene has been seen previously in 3 individuals with primary systemic carnitine deficiency (unpublished, ARUP Primary Carnitine Deficiency and SLC22A5 Database). In two of these patients, a second likely pathogenic/pathogenic variant was identified [Thr440Met; Pro46Ser], consistent with autosomal recessive inheritence. The p.Val151= variant has been identified in 11/129200 non-Finnish European alleles by the Genome Aggregation Database. Computational splicing tools predict formation of a cryptic splice site; however, the accuracy of in silico algorithms is limited. These data were assessed using the ACMG/AMP variant interpretation guidelines. In summary, the significance of the p.Val151= variant is uncertain. However, there is suspicion that this variant could be associated with primary systemic carnitine deficiency as it has been seen in 3 other affected individuals. Additional information is needed to resolve the significance of this variant. [ACMG evidence codes used: PM2, PM3, PP3]

Literature cited by the submitters: PubMed 21922592 (cited by Women's Health and Genetics/Laboratory Corporation of America, LabCorp); PubMed 28841266 (cited by 3 submitters); PubMed 32778825 (cited by Women's Health and Genetics/Laboratory Corporation of America, LabCorp).